The following is an entry in ClinVar:

ClinVar aggregate classification (germline): Uncertain significance (1 of 4 stars; one submission).

Conditions:
Neurofibromatosis, type 1 (NF1). Also called: Peripheral type neurofibromatosis; NEUROFIBROMATOSIS, TYPE I, SOMATIC; Neurofibromatosis, type I; VON RECKLINGHAUSEN DISEASE. Identifiers: Orphanet 636, MedGen C0027831, MONDO:0018975, OMIM 162200. Disease mechanism: loss of function.

Submission:

Labcorp Genetics (formerly Invitae), Labcorp
Classification: Uncertain significance for Neurofibromatosis, type 1. Last evaluated: 2022-05-05. Review status: criteria provided, single submitter. Criteria: Invitae Variant Classification Sherloc (09022015). Collection method: clinical testing. Allele origin: germline.
Comment: This sequence change replaces phenylalanine, which is neutral and non-polar, with isoleucine, which is neutral and non-polar, at codon 1913 of the NF1 protein (p.Phe1913Ile). This variant is not present in population databases (gnomAD no frequency). This variant has not been reported in the literature in individuals affected with NF1-related conditions. In summary, the available evidence is currently insufficient to determine the role of this variant in disease. Therefore, it has been classified as a Variant of Uncertain Significance. Advanced modeling of protein sequence and biophysical properties (such as structural, functional, and spatial information, amino acid conservation, physicochemical variation, residue mobility, and thermodynamic stability) performed at Invitae indicates that this missense variant is expected to disrupt NF1 protein function.

NM_001042492.3(NF1):c.5800T>A (p.Phe1934Ile)

Gene: NF1 (neurofibromin 1; plus strand). Cytogenetic location: 17q11.2.
Variant type: single nucleotide variant.
Coding change: c.5800T>A on transcript NM_001042492.3 (MANE Select); coding-DNA position 5800, T replaced by A.
Protein change: p.Phe1934Ile; replaces phenylalanine 1934 with isoleucine.
Molecular consequence: missense variant.
Genome position (GRCh38, 1-based): chr17:31,330,486, T>A. VCF-style: chr17-31330486-T-A. GRCh37 (hg19) VCF-style: chr17-29657504-T-A.
Other names: c.5737T>A, p.Phe1913Ile (NM_000267.4); short protein forms F1913I, F1934I.
Identifiers: ClinVar variation 2134358 (VCV002134358.4), dbSNP rs2151544983, ClinGen allele CA399010501.